The following is an entry in ClinVar:

ClinVar aggregate classification (germline): Uncertain significance. Review status: criteria provided, multiple submitters, no conflicts (2 of 4 stars). 2 submissions from 2 submitters: Uncertain significance (2). Last evaluated 2024-01-12.

Conditions:
Inborn genetic diseases. Identifiers: MedGen C0950123, MeSH D030342.

Allele frequency attached by ClinVar (database versions not stated): TOPMed 0.00002.

Submissions (2):

Labcorp Genetics (formerly Invitae), Labcorp
Classification: Uncertain significance. Last evaluated: 2024-01-12. Review status: criteria provided, single submitter. Criteria: Invitae Variant Classification Sherloc (09022015). Collection method: clinical testing. Allele origin: germline.
Comment: This sequence change replaces arginine, which is basic and polar, with glutamine, which is neutral and polar, at codon 141 of the TMC1 protein (p.Arg141Gln). This variant is present in population databases (no rsID available, gnomAD 0.003%). This variant has not been reported in the literature in individuals affected with TMC1-related conditions. ClinVar contains an entry for this variant (Variation ID: 2526302). Advanced modeling of protein sequence and biophysical properties (such as structural, functional, and spatial information, amino acid conservation, physicochemical variation, residue mobility, and thermodynamic stability) performed at Invitae indicates that this missense variant is not expected to disrupt TMC1 protein function with a negative predictive value of 95%. In summary, the available evidence is currently insufficient to determine the role of this variant in disease. Therefore, it has been classified as a Variant of Uncertain Significance.

Ambry Genetics
Classification: Uncertain significance for Inborn genetic diseases. Last evaluated: 2023-03-17. Review status: criteria provided, single submitter. Criteria: Ambry Variant Classification Scheme 2023. Collection method: clinical testing. Allele origin: germline.

NM_138691.3(TMC1):c.422G>A (p.Arg141Gln)

Gene: TMC1 (transmembrane channel like 1; plus strand). Cytogenetic location: 9q21.13.
Variant type: single nucleotide variant.
Coding change: c.422G>A on transcript NM_138691.3 (MANE Select); coding-DNA position 422, G replaced by A.
Protein change: p.Arg141Gln; replaces arginine 141 with glutamine.
Molecular consequence: missense variant.
Genome position (GRCh38, 1-based): chr9:72,740,178, G>A. VCF-style: chr9-72740178-G-A. GRCh37 (hg19) VCF-style: chr9-75355094-G-A.
Other names: short protein forms R141Q.
Identifiers: ClinVar variation 2526302 (VCV002526302.5), dbSNP rs1345080270, ClinGen allele CA373494810.